The following is an entry in ClinVar:

ClinVar aggregate classification (germline): Pathogenic/Likely pathogenic. Review status: criteria provided, multiple submitters, no conflicts (2 of 4 stars). 4 submissions from 4 submitters: Pathogenic (2); Likely pathogenic (2). Last evaluated 2024-10-04.

Conditions:
GM1 gangliosidosis. Identifiers: Orphanet 354, MedGen C0085131, MONDO:0018149.
GM1 gangliosidosis type 3. Also called: GM1-GANGLIOSIDOSIS, TYPE III; GANGLIOSIDOSIS, GENERALIZED GM1, ADULT TYPE; GANGLIOSIDOSIS, GENERALIZED GM1, CHRONIC TYPE; GANGLIOSIDOSIS, GENERALIZED GM1, TYPE III; Gangliosidosis, Generalized GM1, Type 3; Beta-galactosidase deficiency. Identifiers: Orphanet 79257, MedGen C0268273, MONDO:0009262, OMIM 230650.
Infantile GM1 gangliosidosis. Also called: GM1-gangliosidosis, type I; Gangliosidosis, generalized GM1, infantile form; GLB1 deficiency; GM1 gangliosidosis type 1; Gangliosidosis, Generalized GM1, Type 1. Identifiers: Orphanet 354, Orphanet 79255, MedGen C0268271, MONDO:0009260, OMIM 230500.
GM1 gangliosidosis type 2. Also called: GM1-GANGLIOSIDOSIS, TYPE II; GANGLIOSIDOSIS, GENERALIZED GM1, JUVENILE TYPE; GANGLIOSIDOSIS, GENERALIZED GM1, TYPE II; Gangliosidosis, Generalized GM1, Type 2; Juvenile GM>1< gangliosidosis. Identifiers: Orphanet 354, Orphanet 79256, MedGen C0268272, MONDO:0009261, OMIM 230600.
Mucopolysaccharidosis, MPS-IV-B (MPS4B). Also called: MORQUIO SYNDROME B; Mucopolysaccharidosis type IV B; Mucopolysaccharidosis Type IVB; Mucopolysaccharidosis type 4B; Mucopolysaccharidosis Type IVB (Morquio B Disease); Mucopolysaccharidosis type IVB (Morquio). Identifiers: Orphanet 309310, Orphanet 582, MedGen C0086652, MONDO:0009660, OMIM 253010.

Allele frequency attached by ClinVar (database versions not stated): ExAC 0.00001; ESP Exome Variant Server 0.00008.
gnomAD v4.1: 2 of 1,614,030 alleles (0.00012%); highest among the groups gnomAD compares: Non-Finnish European, 0.00017%; no homozygotes.

Submissions (4):

Dubai Health Genomic Medicine Center, Dubai Health
Classification: Likely pathogenic for GM1-gangliosidosis. Last evaluated: 2024-10-04. Review status: criteria provided, single submitter. Criteria: ACMG Guidelines, 2015. Collection method: research. Allele origin: germline. Affected: yes.
Comment: PM3(strong), PM2,PM5,PP3,PP2

Fulgent Genetics
Classification: Pathogenic for Infantile GM1 gangliosidosis; GM1 gangliosidosis type 2; GM1 gangliosidosis type 3; Mucopolysaccharidosis, MPS-IV-B. Last evaluated: 2024-05-10. Review status: criteria provided, single submitter. Criteria: ACMG Guidelines, 2015. Collection method: clinical testing. Allele origin: germline.

Women's Health and Genetics/Laboratory Corporation of America, LabCorp
Classification: Pathogenic for Mucopolysaccharidosis, MPS-IV-B. Last evaluated: 2024-04-16. Review status: criteria provided, single submitter. Criteria: LabCorp Variant Classification Summary - May 2015. Collection method: clinical testing. Allele origin: germline.
Comment: Variant summary: GLB1 c.998A>G (p.Tyr333Cys) results in a non-conservative amino acid change located in the catalytic domain (IPR031330), affecting a residue which is part of the substrate binding pocket (PMID: 22128166) of the encoded protein sequence. Five of five in-silico tools predict a damaging effect of the variant on protein function. The variant allele was found at a frequency of 4e-06 in 249536 control chromosomes (gnomAD). c.998A>G has been reported in the literature in 2 homozygous siblings, affected with Mucopolysaccharidosis Type IVB (Morquio Syndrome B) (Mayer_2009, Giugliani_1987). One of these publications also reported experimental evidence evaluating an impact on protein function and demonstrated deficient beta-galactosidase activities in fibroblasts derived from these patients (Giugliani_1987). These data indicate that the variant is likely to be associated with disease. The following publications have been ascertained in the context of this evaluation (PMID: 19091613, 3121219 , 32071837 ). ClinVar contains an entry for this variant (Variation ID: 1301844). Based on the evidence outlined above, the variant was classified as pathogenic.

MGZ Medical Genetics Center
Classification: Likely pathogenic for Mucopolysaccharidosis, MPS-IV-B. Last evaluated: 2022-08-11. Review status: criteria provided, single submitter. Criteria: ACMG Guidelines, 2015. Collection method: clinical testing. Allele origin: germline. Affected: yes. Observed: 1 variant allele.
Comment: ACMG criteria applied: PM1, PM5, PM2_SUP, PP2, PP3

Literature cited by the submitters: PubMed 32071837 (cited by Women's Health and Genetics/Laboratory Corporation of America, LabCorp); PubMed 3121219 (cited by Women's Health and Genetics/Laboratory Corporation of America, LabCorp); PubMed 19091613 (cited by Women's Health and Genetics/Laboratory Corporation of America, LabCorp).

NM_000404.4(GLB1):c.998A>G (p.Tyr333Cys)

Gene: GLB1 (galactosidase beta 1; minus strand). Cytogenetic location: 3p22.3.
Variant type: single nucleotide variant.
Coding change: c.998A>G on transcript NM_000404.4 (MANE Select); coding-DNA position 998, A replaced by G.
Protein change: p.Tyr333Cys; replaces tyrosine 333 with cysteine.
Molecular consequence: missense variant.
Genome position (GRCh38, 1-based): chr3:33,046,190, T>C on the plus strand (A>G on the coding strand, the complement: GLB1 is on the minus strand). VCF-style: chr3-33046190-T-C. GRCh37 (hg19) VCF-style: chr3-33087682-T-C.
Other names: c.908A>G, p.Tyr303Cys (NM_001079811.3); c.605A>G, p.Tyr202Cys (NM_001135602.3); c.1142A>G, p.Tyr381Cys (NM_001317040.2); c.998A>G, p.Tyr333Cys (NM_001393580.1); short protein forms Y202C, Y303C, Y333C, Y381C.
Identifiers: ClinVar variation 1301844 (VCV001301844.7), dbSNP rs370107958, ClinGen allele CA2299524.